The following is an entry in ClinVar:

ClinVar aggregate classification (germline): Likely benign. Review status: criteria provided, single submitter (1 of 4 stars). 3 submissions from 3 submitters: Likely benign (1). 2 of the submissions do not count toward it. Last evaluated 2026-01-25.

Conditions:
VPS13B-related disorder. Also called: VPS13B-related condition.
Cohen syndrome (COH1). Also called: Cutis verticis gyrata, retinitis pigmentosa, and sensorineural deafness; PEPPER SYNDROME. Identifiers: Orphanet 193, MedGen C0265223, MONDO:0008999, OMIM 216550.

Allele frequency attached by ClinVar (database versions not stated): gnomAD 0.00001; TOPMed 0.00002; ExAC 0.00003; gnomAD exomes 0.00003 and 0.00005.
gnomAD v4.1: 40 of 1,613,930 alleles (0.0025%); highest among the groups gnomAD compares: South Asian, 0.033%; no homozygotes.

Submissions (3):

Labcorp Genetics (formerly Invitae), Labcorp
Classification: Likely benign for Cohen syndrome. Last evaluated: 2026-01-25. Review status: criteria provided, single submitter. Criteria: Invitae Variant Classification Sherloc (09022015). Collection method: clinical testing. Allele origin: germline.

PreventionGenetics, part of Exact Sciences
Classification: Likely benign for VPS13B-related condition. Last evaluated: 2024-04-17. Review status: no assertion criteria provided. Collection method: clinical testing. Allele origin: germline. Not counted in ClinVar's aggregate classification.
Comment: This variant is classified as likely benign based on ACMG/AMP sequence variant interpretation guidelines (Richards et al. 2015 PMID: 25741868, with internal and published modifications).

Natera, Inc.
Classification: Likely benign for Cohen syndrome. Last evaluated: 2020-05-06. Review status: no assertion criteria provided. Collection method: clinical testing. Allele origin: germline. Not counted in ClinVar's aggregate classification.

NM_152564.5(VPS13B):c.8271G>A (p.Thr2757=)

Gene: VPS13B (vacuolar protein sorting 13 homolog B; plus strand). Cytogenetic location: 8q22.2.
Variant type: single nucleotide variant.
Coding change: c.8271G>A on transcript NM_152564.5 (MANE Select); coding-DNA position 8271, G replaced by A.
Protein change: p.Thr2757=; no amino-acid change (threonine 2757 retained).
Molecular consequence: synonymous variant.
Genome position (GRCh38, 1-based): chr8:99,817,713, G>A. VCF-style: chr8-99817713-G-A. GRCh37 (hg19) VCF-style: chr8-100829941-G-A.
Other names: c.8346G>A, p.Thr2782= (NM_017890.5); c.8271G>A (NM_152564.4).
Identifiers: ClinVar variation 1083901 (VCV001083901.13), dbSNP rs758044842, ClinGen allele CA4824417.